The following is an entry in ClinVar:

NM_002016.2(FLG):c.1107T>G (p.Thr369=)

Genes: CCDST (cervical cancer associated DHX9 suppressive transcript; plus strand), FLG (filaggrin; minus strand). Cytogenetic location: 1q21.3.
Variant type: single nucleotide variant.
Coding change: c.1107T>G on transcript NM_002016.2 (MANE Select); coding-DNA position 1107, T replaced by G.
Protein change: p.Thr369=; no amino-acid change (threonine 369 retained).
Molecular consequence: synonymous variant. On other transcripts: non-coding transcript variant (1).
Genome position (GRCh38, 1-based): chr1:152,313,779, A>C on the plus strand (T>G on the coding strand, the complement: FLG is on the minus strand). VCF-style: chr1-152313779-A-C. GRCh37 (hg19) VCF-style: chr1-152286255-A-C.
Identifiers: ClinVar variation 4822396 (VCV004822396.4).

ClinVar aggregate classification (germline): Likely benign (1 of 4 stars; one submission).

Submission:

CeGaT Center for Human Genetics Tuebingen
Classification: Likely benign. Last evaluated: 2026-02-01. Review status: criteria provided, single submitter. Criteria: CeGaT Center For Human Genetics Tuebingen Variant Classification Criteria Version 2. Collection method: clinical testing. Allele origin: germline. Affected: yes. Observed: 1 variant allele.
Comment: FLG: BP4, BP7